The following is an entry in ClinVar:

ClinVar aggregate classification (germline): Benign/Likely benign. Review status: criteria provided, multiple submitters, no conflicts (2 of 4 stars). 12 submissions from 12 submitters: Benign (2); Likely benign (7). 3 of the submissions do not count toward it. Last evaluated 2026-08-01.

Conditions:
Polycystic kidney disease, adult type (PKD1). Also called: POLYCYSTIC KIDNEY DISEASE, ADULT, TYPE I; Polycystic Kidney, Autosomal Dominant; Polycystic Kidney Disease 1, Autosomal Dominant; Polycystic kidney disease 1; Polycystic kidney disease 1, severe; POLYCYSTIC KIDNEY DISEASE 1 WITH OR WITHOUT POLYCYSTIC LIVER DISEASE. Identifiers: MedGen C3149841, MONDO:0008263, OMIM 173900.
Polycystic kidney disease. Also called: Kidney, Polycystic; Polycystic kidney dysplasia. Identifiers: MedGen C0022680, MeSH D007690, MONDO:0020642, HP:0000113.

Allele frequency attached by ClinVar (database versions not stated): 1000 Genomes Project 30x 0.00078; 1000 Genomes Project 0.00100; gnomAD exomes 0.00153 and 0.00281; gnomAD 0.00158 and 0.00165; TOPMed 0.00167; ESP Exome Variant Server 0.00168; ExAC 0.00192.

Submissions (12):

CeGaT Center for Human Genetics Tuebingen
Classification: Likely benign. Last evaluated: 2026-08-01. Review status: criteria provided, single submitter. Criteria: CeGaT Center For Human Genetics Tuebingen Variant Classification Criteria Version 2. Collection method: clinical testing. Allele origin: germline. Affected: yes. Observed: 2 variant alleles.
Comment: PKD1: BP4, BP7, BS2

Women's Health and Genetics/Laboratory Corporation of America, LabCorp
Classification: Likely benign. Last evaluated: 2025-04-25. Review status: criteria provided, single submitter. Criteria: LabCorp Variant Classification Summary - May 2015. Collection method: clinical testing. Allele origin: germline.

Mayo Clinic Laboratories, Mayo Clinic
Classification: Likely benign. Last evaluated: 2024-12-06. Review status: criteria provided, single submitter. Criteria: ACMG Guidelines, 2015. Collection method: clinical testing. Allele origin: germline. Observed: 8 variant alleles.
Comment: BS1, BS2_supporting, BP4, BP7

Blueprint Genetics
Classification: Likely benign. Last evaluated: 2024-11-04. Review status: criteria provided, single submitter. Criteria: ACMG Guidelines, 2015. Collection method: clinical testing. Allele origin: germline.

Fulgent Genetics
Classification: Benign for Polycystic kidney disease, adult type. Last evaluated: 2021-07-23. Review status: criteria provided, single submitter. Criteria: ACMG Guidelines, 2015. Collection method: clinical testing. Allele origin: unknown.

GeneDx
Classification: Likely benign. Last evaluated: 2020-10-22. Review status: criteria provided, single submitter. Criteria: GeneDx Variant Classification Process June 2021. Collection method: clinical testing. Allele origin: germline. Affected: yes.

ARUP Laboratories, Molecular Genetics and Genomics, ARUP Laboratories
Classification: Likely benign for Polycystic kidney disease, adult type. Last evaluated: 2020-02-26. Review status: criteria provided, single submitter. Criteria: ARUP Molecular Germline Variant Investigation Process. Collection method: clinical testing. Allele origin: germline.

Athena Diagnostics
Classification: Benign. Last evaluated: 2019-01-24. Review status: criteria provided, single submitter. Criteria: Athena Diagnostics Criteria. Collection method: clinical testing. Allele origin: germline.

PreventionGenetics, part of Exact Sciences
Classification: Likely benign. Review status: criteria provided, single submitter. Criteria: ACMG Guidelines, 2015. Collection method: clinical testing. Allele origin: germline.

Clinical Genetics DNA and cytogenetics Diagnostics Lab, Erasmus MC, Erasmus Medical Center
Classification: Likely benign. Review status: no assertion criteria provided. Collection method: clinical testing. Allele origin: germline. Affected: yes. Study: VKGL Data-share Consensus. Not counted in ClinVar's aggregate classification.

Department of Pathology and Laboratory Medicine, Sinai Health System
Classification: Benign for Polycystic Kidney disease. Review status: no assertion criteria provided. Collection method: clinical testing. Allele origin: unknown. Affected: yes. Study: The Canadian Open Genetics Repository (COGR). Not counted in ClinVar's aggregate classification.
Comment: The PKD1 p.Glu1061Glu variant was identified in 1 of 164 proband chromosomes (frequency: 0.006) from individuals or families with clinical features of polycystic renal disease (Garcia-Gonzalez 2007). The variant was also identified in dbSNP (ID: rs148727945) as â€šÃ„ÃºNAâ€šÃ„Ã¹, in the ADPKD Mutation Database (classification â€šÃ„Ãºlikely neutralâ€šÃ„Ã¹), but was not in Clinvitae, ClinVar , GeneInsight COGR, PKD1-LOVD, and PKD1-LOVD 3.0. This variant was identified in the 1000 Genomes Project in 5 of 5000 chromosomes (frequency: 0.001), HAPMAP-EUR in 5 of 1006 chromosomes (frequency: 0.005), NHLBI GO Exome Sequencing Project in 10 of 4570 European American alleles and in 2 of 2590 African American alleles, and in the Exome Aggregation Consortium database (March 14, 2016) in 84 of 43768 alleles, specifically in 68 of 22746 alleles (1 homozygous, frequency: 0.0030) from a population of European (Non-Finnish) individuals, in 14 of 3386 alleles (frequency: 0.0041) from a Latino population, and in 2 of 2432 alleles (frequency: 0.0008) from an African population. The variant was not seen in East Asian, South Asian, or European (Finnish) populations. The p.Glu1061Glu variant is not expected to have clinical significance because it does not result in a change of amino acid and is not located in a known consensus splice site. In addition, in silico or computational prediction software programs (SpliceSiteFinder, MaxEntScan, NNSPLICE, GeneSplicer, HumanSpliceFinder) do not predict a difference in splicing. In summary, based on the above information, this variant meets our laboratory criteria to be classified as benign.

Laboratory of Diagnostic Genome Analysis, Leiden University Medical Center (LUMC)
Classification: Likely benign. Review status: no assertion criteria provided. Collection method: clinical testing. Allele origin: germline. Affected: yes. Study: VKGL Data-share Consensus. Not counted in ClinVar's aggregate classification.

Literature cited by the submitters: PubMed 17574468 (cited by Athena Diagnostics).

NM_001009944.3(PKD1):c.3183G>A (p.Glu1061=)

Gene: PKD1 (polycystin 1, transient receptor potential channel interacting; minus strand). Cytogenetic location: 16p13.3.
Variant type: single nucleotide variant.
Coding change: c.3183G>A on transcript NM_001009944.3 (MANE Select); coding-DNA position 3183, G replaced by A.
Protein change: p.Glu1061=; no amino-acid change (glutamic acid 1061 retained).
Molecular consequence: synonymous variant.
Genome position (GRCh38, 1-based): chr16:2,112,452, C>T on the plus strand (G>A on the coding strand, the complement: PKD1 is on the minus strand). VCF-style: chr16-2112452-C-T. GRCh37 (hg19) VCF-style: chr16-2162453-C-T.
Other names: p.Glu1061=; c.3183G>A, p.Glu1061= (NM_000296.4).
Identifiers: ClinVar variation 256945 (VCV000256945.36), dbSNP rs148727945, ClinGen allele CA7832895.